The following is an entry in ClinVar:

ClinVar aggregate classification (germline): Uncertain significance (1 of 4 stars; one submission).

Submission:

Labcorp Genetics (formerly Invitae), Labcorp
Classification: Uncertain significance. Last evaluated: 2024-08-04. Review status: criteria provided, single submitter. Criteria: Invitae Variant Classification Sherloc (09022015). Collection method: clinical testing. Allele origin: germline.
Comment: This variant, c.4797_4808del, results in the deletion of 4 amino acid(s) of the COL11A1 protein (p.Gln1600_Pro1603del), but otherwise preserves the integrity of the reading frame. This variant is not present in population databases (gnomAD no frequency). This variant has not been reported in the literature in individuals affected with COL11A1-related conditions. Experimental studies and prediction algorithms are not available or were not evaluated, and the functional significance of this variant is currently unknown. In summary, the available evidence is currently insufficient to determine the role of this variant in disease. Therefore, it has been classified as a Variant of Uncertain Significance.

NM_001854.4(COL11A1):c.4797_4808del (p.Gln1600_Pro1603del)

Gene: COL11A1 (collagen type XI alpha 1 chain; minus strand). Cytogenetic location: 1p21.1.
Variant type: Deletion.
Coding change: c.4797_4808del on transcript NM_001854.4 (MANE Select); coding-DNA positions 4797 to 4808, 12 bases deleted (TCAGACCAATCC).
Protein change: p.Gln1600_Pro1603del.
Molecular consequence: non-coding transcript variant (on NR_134980.2).
Genome position (GRCh38, 1-based): chr1:102,886,857-102,886,868, GGATTGGTCTGA deleted on the plus strand (TCAGACCAATCC on the coding strand, the reverse complement: COL11A1 is on the minus strand); deleting any 12 consecutive bases within chr1:102,886,857-102,886,869 gives the same sequence; the c. name uses the placement nearest the transcript's 3' end. VCF-style (leftmost placement, unchanged base first): chr1-102886856-TGGATTGGTCTGA-T. GRCh37 (hg19) VCF-style: chr1-103352412-TGGATTGGTCTGA-T.
Other names: c.4680_4691del, p.Gln1561_Pro1564del (NM_001190709.2); c.4833_4844del, p.Gln1612_Pro1615del (NM_080629.3); c.4449_4460del, p.Gln1484_Pro1487del (NM_080630.4).
Identifiers: ClinVar variation 3661405 (VCV003661405.2).